The following is an entry in ClinVar:

ClinVar aggregate classification (germline): Uncertain significance (1 of 4 stars; one submission).

Conditions:
Charcot-Marie-Tooth disease type 4. Also called: Charcot-Marie-Tooth disease, type IV; Charcot-Marie-Tooth, Type 4. Identifiers: Orphanet 64749, MedGen C4082197, MONDO:0018995.

Submission:

Labcorp Genetics (formerly Invitae), Labcorp
Classification: Uncertain significance for Charcot-Marie-Tooth disease type 4. Last evaluated: 2022-08-16. Review status: criteria provided, single submitter. Criteria: Invitae Variant Classification Sherloc (09022015). Collection method: clinical testing. Allele origin: germline.
Comment: In summary, the available evidence is currently insufficient to determine the role of this variant in disease. Therefore, it has been classified as a Variant of Uncertain Significance. Algorithms developed to predict the effect of missense changes on protein structure and function (SIFT, PolyPhen-2, Align-GVGD) all suggest that this variant is likely to be tolerated. ClinVar contains an entry for this variant (Variation ID: 577783). This variant has not been reported in the literature in individuals affected with PRX-related conditions. This variant is not present in population databases (gnomAD no frequency). This sequence change replaces histidine, which is basic and polar, with leucine, which is neutral and non-polar, at codon 1288 of the PRX protein (p.His1288Leu).

NM_181882.3(PRX):c.3863A>T (p.His1288Leu)

Gene: PRX (periaxin; minus strand). Cytogenetic location: 19q13.2.
Variant type: single nucleotide variant.
Coding change: c.3863A>T on transcript NM_181882.3 (MANE Select); coding-DNA position 3863, A replaced by T.
Protein change: p.His1288Leu; replaces histidine 1288 with leucine.
Molecular consequence: missense variant. On other transcripts: 3 prime UTR variant (1).
Genome position (GRCh38, 1-based): chr19:40,394,489, T>A on the plus strand (A>T on the coding strand, the complement: PRX is on the minus strand). VCF-style: chr19-40394489-T-A. GRCh37 (hg19) VCF-style: chr19-40900396-T-A.
Other names: c.*4068A>T (NM_020956.2); short protein forms H1288L.
Identifiers: ClinVar variation 577783 (VCV000577783.8), dbSNP rs1568702462, ClinGen allele CA405891882.